The following is an entry in ClinVar:

ClinVar aggregate classification (germline): Benign/Likely benign. Review status: criteria provided, multiple submitters, no conflicts (2 of 4 stars). 19 submissions from 19 submitters: Benign (14); Likely benign (4). 1 of the submissions does not count toward it. Last evaluated 2026-01-31.

Conditions:
Hereditary cancer-predisposing syndrome. Also called: Tumor predisposition; Hereditary neoplastic syndrome; Neoplastic Syndromes, Hereditary; Hereditary Cancer Syndrome. Identifiers: Orphanet 140162, MedGen C0027672, MeSH D009386, MONDO:0015356.
Familial adenomatous polyposis 1 (FAP1). Also called: FAMILIAL ADENOMATOUS POLYPOSIS 1, ATTENUATED; POLYPOSIS, ADENOMATOUS INTESTINAL. Identifiers: MedGen C2713442, MONDO:0021056, OMIM 175100. Disease mechanism: loss of function.
Carcinoma of colon (CRC). Also called: Colon carcinoma; Colonic carcinoma. Identifiers: MedGen C0699790, MONDO:0002032.

Allele frequency attached by ClinVar (database versions not stated): gnomAD exomes 0.00024 and 0.00059; ExAC 0.00052; 1000 Genomes Project 0.00080; 1000 Genomes Project 30x 0.00109; ESP Exome Variant Server 0.00246; gnomAD 0.00253 and 0.00268; TOPMed 0.00294.
gnomAD v4.1: 756 of 1,614,156 alleles (0.047%); highest among the groups gnomAD compares: African/African-American, 0.91%; 9 homozygotes.

Submissions (19):

Labcorp Genetics (formerly Invitae), Labcorp
Classification: Benign for Familial adenomatous polyposis 1. Last evaluated: 2026-01-31. Review status: criteria provided, single submitter. Criteria: Invitae Variant Classification Sherloc (09022015). Collection method: clinical testing. Allele origin: germline.

CeGaT Center for Human Genetics Tuebingen
Classification: Likely benign. Last evaluated: 2026-01-01. Review status: criteria provided, single submitter. Criteria: CeGaT Center For Human Genetics Tuebingen Variant Classification Criteria Version 2. Collection method: clinical testing. Allele origin: germline. Affected: yes. Observed: 1 variant allele.
Comment: APC: BP4, BP7

Quest Diagnostics Nichols Institute San Juan Capistrano
Classification: Benign. Last evaluated: 2025-10-21. Review status: criteria provided, single submitter. Criteria: Quest Diagnostics criteria. Collection method: clinical testing. Allele origin: unknown.

ARUP Laboratories, Molecular Genetics and Genomics, ARUP Laboratories
Classification: Benign. Last evaluated: 2025-05-01. Review status: criteria provided, single submitter. Criteria: ARUP Molecular Germline Variant Investigation Process 2024. Collection method: clinical testing. Allele origin: germline.

Mayo Clinic Laboratories, Mayo Clinic
Classification: Benign. Last evaluated: 2025-03-17. Review status: criteria provided, single submitter. Criteria: ACMG Guidelines, 2015. Collection method: clinical testing. Allele origin: germline. Observed: 2 variant alleles.
Comment: BA1, BP4, BP7

Center for Genomic Medicine, Rigshospitalet, Copenhagen University Hospital
Classification: Likely benign. Last evaluated: 2025-03-04. Review status: criteria provided, single submitter. Criteria: ACMG Guidelines, 2015. Collection method: clinical testing. Allele origin: germline.

Blueprint Genetics
Classification: Likely benign. Last evaluated: 2024-11-13. Review status: criteria provided, single submitter. Criteria: ACMG Guidelines, 2015. Collection method: clinical testing. Allele origin: germline.

Institute for Biomarker Research, Medical Diagnostic Laboratories, L.L.C.
Classification: Benign for Hereditary cancer-predisposing syndrome. Last evaluated: 2024-11-12. Review status: criteria provided, single submitter. Criteria: ACMG Guidelines, 2015. Collection method: clinical testing. Allele origin: germline.
Comment: The synonymous variant NM_000038.6(APC):c.4893T>C (p.Ser1631=) has been reported to ClinVar as Benign/Likely benign with a status of (2 stars) criteria provided, multiple submitters, no conflicts (Variation ID 132688 as of 2024-10-03). The variant is observed in one or more well-documented healthy adults. The p.Ser1631= variant is observed in 129/16,256 (0.7936%) alleles from individuals of gnomAD African background in gnomAD. The p.Ser1631= variant is observed in 4/5,008 (0.0799%) alleles from individuals of 1kG All background in 1kG, which is greater than expected for the disorder. The p.Ser1631= variant is not predicted to disrupt an existing splice site. The p.Ser1631= variant results in a substitution of a base that is not predicted conserved by GERP++ and PhyloP. For these reasons, this variant has been classified as Benign.

Molecular Diagnostics Laboratory, Catalan Institute of Oncology
Classification: Benign for Hereditary cancer-predisposing syndrome. Last evaluated: 2024-10-03. Review status: criteria provided, single submitter. Criteria: ClinGen ACMG Specifications APC V1.0.0. Collection method: clinical testing. Allele origin: germline.
Comment: BA1, BP4, BP7 c.4893T>C, located in exon 16 of the APC gene, is predicted to result in no amino acid change, p.(Ser1631=) (BP7).The variant allele was found in 194/23604 alleles, with a filtering allele frequency of 0,73% at 99% confidence, within the African population in the gnomAD v2.1.1 database (non-cancer data set) (BA1). The SpliceAI algorithm predicts no significant impact on splicing (BP4). This variant has only been reported in the ClinVar database (10x benign, 4x likely benign). Additional information has not been evaluated for this variant. Based on currently available information, the variantc.4893T>C should be considered a benign variant according to ClinGen-APC Guidelines version 1.0.

Myriad Genetics, Inc.
Classification: Benign for Familial adenomatous polyposis 1. Last evaluated: 2024-03-28. Review status: criteria provided, single submitter. Criteria: Myriad Autosomal Dominant, Autosomal Recessive and X-Linked Classification Criteria (2023). Collection method: clinical testing. Allele origin: unknown.
Comment: This variant is considered benign. This variant is a silent/synonymous amino acid change and it is not expected to impact splicing.

KCCC/NGS Laboratory, Kuwait Cancer Control Center
Classification: Benign for Familial adenomatous polyposis 1. Last evaluated: 2023-07-07. Review status: criteria provided, single submitter. Criteria: ACMG Guidelines, 2015. Collection method: clinical testing. Allele origin: germline. Affected: yes.

Sema4
Classification: Benign for Hereditary cancer-predisposing syndrome. Last evaluated: 2020-11-25. Review status: criteria provided, single submitter. Criteria: Sema4 Curation Guidelines. Collection method: curation. Allele origin: germline.

Genetic Services Laboratory, University of Chicago
Classification: Benign. Last evaluated: 2019-07-12. Review status: criteria provided, single submitter. Criteria: ACMG Guidelines, 2015. Collection method: clinical testing. Allele origin: germline. Affected: no.

PreventionGenetics, part of Exact Sciences
Classification: Benign. Last evaluated: 2017-06-09. Review status: criteria provided, single submitter. Criteria: ACMG Guidelines, 2015. Collection method: clinical testing. Allele origin: germline.

Color Diagnostics, LLC DBA Color Health
Classification: Benign for Hereditary cancer-predisposing syndrome. Last evaluated: 2016-03-18. Review status: criteria provided, single submitter. Criteria: ACMG Guidelines, 2015. Collection method: clinical testing. Allele origin: germline.

Women's Health and Genetics/Laboratory Corporation of America, LabCorp
Classification: Benign. Last evaluated: 2016-01-25. Review status: criteria provided, single submitter. Criteria: LabCorp Variant Classification Summary - May 2015. Collection method: clinical testing. Allele origin: germline.
Comment: Variant summary: Variant affects a non-conserved nucleotide and results in a synonymous mutation. Mutation taster predicts disease causing impact while 5/5 in silico tools via Alamut predict no significant effect on normal splicing. It was predominantly observed in the African subcohort of the ExAC project at an allele frequency of 0.538% which exeeds the maximal expected allele frequency of a disease causing APC allele 0.006% indicating a neutral impact. Additionally, clinical diagnostic centers classify variant as Likely Bening/Benign via ClinVar (without evidence to independently evaluate). Considering all evidence, the variant was classified as Benign.

Ambry Genetics
Classification: Likely benign for Hereditary cancer-predisposing syndrome. Last evaluated: 2014-08-01. Review status: criteria provided, single submitter. Criteria: Ambry Variant Classification Scheme 2023. Collection method: clinical testing. Allele origin: germline.

GeneDx
Classification: Benign. Last evaluated: 2014-04-08. Review status: criteria provided, single submitter. Criteria: GeneDx Variant Classification (06012015). Collection method: clinical testing. Allele origin: germline. Affected: yes.
Comment: This variant is considered likely benign or benign based on one or more of the following criteria: it is a conservative change, it occurs at a poorly conserved position in the protein, it is predicted to be benign by multiple in silico algorithms, and/or has population frequency not consistent with disease.

Department of Pathology and Laboratory Medicine, Sinai Health System
Classification: Likely benign for Carcinoma of colon. Review status: no assertion criteria provided. Collection method: clinical testing. Allele origin: unknown. Affected: yes. Study: The Canadian Open Genetics Repository (COGR). Not counted in ClinVar's aggregate classification.
Comment: The APC p.Ser1631= variant was not identified in the literature nor was it identified in LOVD 3.0. The variant was identified in dbSNP (ID: rs35634377) as "With other allele", and in ClinVar (classified as benign by Invitae, GeneDx, Color and three other submitters; and as likely benign by Ambry Genetics and two other submitters). The variant was identified in control databases in 211 of 276950 chromosomes at a frequency of 0.0008 (Genome Aggregation Database Feb 27, 2017). The variant was observed in the following populations: African in 190 of 24022 chromosomes (freq: 0.008, increasing the likelihood this could be a low frequency benign variant), Other in 4 of 6460 chromosomes (freq: 0.0006), Latino in 16 of 34412 chromosomes (freq: 0.0005), and European in 1 of 126492 chromosomes (freq: 0.000008), while the variant was not observed in the Ashkenazi Jewish, East Asian, Finnish, or South Asian populations. The p.Ser1631= variant is not expected to have clinical significance because it does not result in a change of amino acid and is not located in a known consensus splice site. In addition, in silico or computational prediction software programs (SpliceSiteFinder, MaxEntScan, NNSPLICE, GeneSplicer) do not predict a difference in splicing. In summary, based on the above information, the clinical significance of this variant cannot be determined with certainty at this time although we would lean towards a more benign role for this variant. This variant is classified as likely benign.

NM_000038.6(APC):c.4893T>C (p.Ser1631=)

Gene: APC (APC regulator of Wnt signaling pathway; plus strand). Cytogenetic location: 5q22.2.
Variant type: single nucleotide variant.
Coding change: c.4893T>C on transcript NM_000038.6 (MANE Select); coding-DNA position 4893, T replaced by C.
Protein change: p.Ser1631=; no amino-acid change (serine 1631 retained).
Molecular consequence: synonymous variant.
Genome position (GRCh38, 1-based): chr5:112,840,487, T>C. VCF-style: chr5-112840487-T-C. GRCh37 (hg19) VCF-style: chr5-112176184-T-C.
Other names: p.S1631S:AGT>AGC; p.Ser1631=; c.4893T>C, p.Ser1631= (NM_001127510.3, NM_001354895.2); c.4839T>C, p.Ser1613= (NM_001127511.3); c.4947T>C, p.Ser1649= (NM_001354896.2); c.4923T>C, p.Ser1641= (NM_001354897.2); c.4818T>C, p.Ser1606= (NM_001354898.2); c.4809T>C, p.Ser1603= (NM_001354899.2); and 7 more.
Identifiers: ClinVar variation 132688 (VCV000132688.42), dbSNP rs35634377, ClinGen allele CA009779.
Genomic context (GRCh38, chr5:112,840,487, plus strand): 5'-GCTGCCTGTGTACAAACTTCTACCATCACAAAACAGGTTGCAACCCCAAAAGCATGTTAG[T>C]TTTACACCGGGGGATGATATGCCACGGGTGTATTGTGTTGAAGGGACACCTATAAACTTT-3'
Protein context (NP_000029.2, residues 1621-1641): QNRLQPQKHV[Ser1631=]FTPGDDMPRV